The following is an entry in ClinVar:

NM_000312.4(PROC):c.94C>T (p.Arg32Cys)

Gene: PROC (protein C, inactivator of coagulation factors Va and VIIIa; plus strand). Cytogenetic location: 2q14.3.
Variant type: single nucleotide variant.
Coding change: c.94C>T on transcript NM_000312.4 (MANE Select); coding-DNA position 94, C replaced by T.
Protein change: p.Arg32Cys; replaces arginine 32 with cysteine.
Molecular consequence: missense variant. On other transcripts: intron variant (1).
Genome position (GRCh38, 1-based): chr2:127,421,306, C>T. VCF-style: chr2-127421306-C-T. GRCh37 (hg19) VCF-style: chr2-128178882-C-T.
Other names: c.277C>T, p.Arg93Cys (NM_001375602.1); c.157C>T, p.Arg53Cys (NM_001375603.1, NM_001375604.1, NM_001375606.1); c.94C>T, p.Arg32Cys (NM_001375605.1, NM_001375608.1, NM_001375611.1 and 1 more transcripts); c.70C>T, p.Arg24Cys (NM_001375609.1); c.88C>T, p.Arg30Cys (NM_001375610.1); c.190-12C>T (NM_001375607.1); short protein forms R24C, R30C, R53C, R32C, R93C.
Identifiers: ClinVar variation 1992373 (VCV001992373.2), dbSNP rs2468324848, ClinGen allele CA348397690.

ClinVar aggregate classification (germline): Pathogenic. Review status: criteria provided, multiple submitters, no conflicts (2 of 4 stars). 2 submissions from 2 submitters: Pathogenic (2). Last evaluated 2025-08-22.

Conditions:
Thrombophilia due to protein C deficiency, autosomal dominant. Also called: PROC DEFICIENCY, AUTOSOMAL DOMINANT; PROTEIN C DEFICIENCY, AUTOSOMAL DOMINANT. Identifiers: Orphanet 745, MedGen C2674321, MONDO:0008316, OMIM 176860. Disease mechanism: loss of function.

Submissions (2):

Labcorp Genetics (formerly Invitae), Labcorp
Classification: Pathogenic for Thrombophilia due to protein C deficiency, autosomal dominant. Last evaluated: 2025-08-22. Review status: criteria provided, single submitter. Criteria: Invitae Variant Classification Sherloc (09022015). Collection method: clinical testing. Allele origin: germline.
Comment: This sequence change replaces arginine, which is basic and polar, with cysteine, which is neutral and slightly polar, at codon 32 of the PROC protein (p.Arg32Cys). This variant is not present in population databases (gnomAD no frequency). This missense change has been observed in individual(s) with PROC-related conditions (PMID: 8829639, 22168450, 29536478). It has also been observed to segregate with disease in related individuals. This variant is also known as C1357T, -11Arg>Cys. ClinVar contains an entry for this variant (Variation ID: 1992373). An algorithm developed to predict the effect of missense changes on protein structure and function (PolyPhen-2) suggests that this variant is likely to be disruptive. Experimental studies have shown that this missense change affects PROC function (PMID: 37393002). Algorithms developed to predict the effect of sequence changes on RNA splicing suggest that this variant may create or strengthen a splice site. For these reasons, this variant has been classified as Pathogenic.

MVZ Martinsried, Medicover Genetics
Classification: Pathogenic for Thrombophilia due to protein C deficiency, autosomal dominant. Last evaluated: 2022-04-08. Review status: criteria provided, single submitter. Criteria: ACGS Guidelines, 2020. Collection method: clinical testing. Allele origin: unknown. Affected: yes.

Literature cited by the submitters: PubMed 8829639 (cited by Labcorp Genetics (formerly Invitae), Labcorp); PubMed 22168450 (cited by Labcorp Genetics (formerly Invitae), Labcorp); PubMed 29536478 (cited by Labcorp Genetics (formerly Invitae), Labcorp); PubMed 37393002 (cited by Labcorp Genetics (formerly Invitae), Labcorp).